The following is an entry in ClinVar:

ClinVar aggregate classification (germline): Pathogenic (1 of 4 stars; one submission).

Conditions:
POLG-related disorder. Also called: POLG-Related Spectrum Disorders; POLG-related condition; POLG-Related Disorders. Identifiers: MedGen C4763519.

Submission:

Myriad Genetics, Inc.
Classification: Pathogenic for POLG-related disorder. Last evaluated: 2026-03-05. Review status: criteria provided, single submitter. Criteria: Myriad Autosomal Dominant, Autosomal Recessive and X-Linked Classification Criteria (2023). Collection method: clinical testing. Allele origin: unknown.
Comment: NM_002693.2(POLG):c.2420delG(R807Lfs*19) is expected to be pathogenic in the context of POLG-related disorders. This variant is predicted to lead to an abnormal or absent protein product due to the creation of a premature termination codon in POLG, a gene where loss-of-function variants are known to be pathogenic. Please note: this variant was assessed in the context of healthy population screening.

NM_002693.3(POLG):c.2420del (p.Arg807fs)

Gene: POLG (DNA polymerase gamma, catalytic subunit; minus strand). Cytogenetic location: 15q26.1.
Variant type: Deletion.
Coding change: c.2420del on transcript NM_002693.3 (MANE Select); coding-DNA position 2420, one base deleted (G; older notation c.2420delG).
Protein change: p.Arg807fs; shifts the reading frame from arginine 807.
Molecular consequence: frameshift variant.
Genome position (GRCh38, 1-based): chr15:89,322,748, C deleted on the plus strand (G on the coding strand, the reverse complement: POLG is on the minus strand). VCF-style (leftmost placement, unchanged base first): chr15-89322747-AC-A. GRCh37 (hg19) VCF-style: chr15-89865978-AC-A.
Other names: c.2420del, p.Arg807fs (NM_001126131.2); short protein forms R807fs.
Identifiers: ClinVar variation 5015644 (VCV005015644.1).